The following is an entry in ClinVar:

NM_000558.5(HBA1):c.283_300+3dup

Genes: HBA1 (hemoglobin subunit alpha 1; plus strand), LOC106804613 (hemoglobin subunit alpha 1 recombination region; plus strand). Cytogenetic location: 16p13.3.
Variant type: Duplication.
Coding change: c.283_300+3dup on transcript NM_000558.5 (MANE Select); coding-DNA position 283 through 3 bases into the intron after coding-DNA position 300, 21 bases duplicated (GACCCGGTCAACTTCAAGGTG).
Molecular consequence: splice donor variant.
Genome position (GRCh38, 1-based): chr16:177,116-177,136, GACCCGGTCAACTTCAAGGTG duplicated; duplicating any 21 consecutive bases within chr16:177,112-177,136 gives the same sequence; the c. name uses the placement nearest the transcript's 3' end. VCF-style (leftmost placement, unchanged base first): chr16-177111-G-GGGTGGACCCGGTCAACTTCAA. GRCh37 (hg19) VCF-style: chr16-227110-G-GGGTGGACCCGGTCAACTTCAA.
Other names: c.280_300dup (NM_000558.5); c.283_300+3dup21 (NM_000558.4, NM_000558.5); c.283_300+3dupGACCCGGTCAACTTCAAGGTG (NM_000558.4).
Identifiers: ClinVar variation 15879 (VCV000015879.6), dbSNP rs1902161681, ClinGen allele CA1139664214.

ClinVar aggregate classification (germline): Conflicting classifications of pathogenicity. Review status: criteria provided, conflicting classifications (1 of 4 stars). 6 submissions from 6 submitters: Pathogenic (1); Likely pathogenic (3); Likely benign (1). 1 of the submissions does not count toward it. Last evaluated 2026-03-31.

Conditions:
HBA1-related disorder. Also called: HBA1-related condition.
Erythrocytosis, familial, 7. Also called: ERYTHROCYTOSIS 7; ERYTHROCYTOSIS, ALPHA-GLOBIN TYPE; POLYCYTHEMIA, ALPHA-GLOBIN TYPE. Identifiers: MedGen C4693823, MONDO:0054802, OMIM 617981.
alpha Thalassemia. Also called: Alpha thalassemia spectrum. Identifiers: Orphanet 846, MedGen C0002312, MONDO:0011399, OMIM 604131.
Alpha-thalassemia, Dutch type. Also called: Alpha plus thalassemia. Identifiers: MedGen C1456873.

Submissions (6):

Women's Health and Genetics/Laboratory Corporation of America, LabCorp
Classification: Likely pathogenic for alpha Thalassemia. Last evaluated: 2026-03-31. Review status: criteria provided, single submitter. Criteria: LabCorp Variant Classification Summary - May 2015. Collection method: clinical testing. Allele origin: germline.
Comment: Variant summary: HBA1 c.283_300+3dup21 duplicates a 21 bp stretch of DNA across the exon 2/intron 2 junction and is located close to a canonical splice site and therefore could affect mRNA splicing, leading to a significantly altered protein sequence. Several computational tools predict a significant impact on normal splicing: Two predict the variant abolishes a 5' splicing donor site. Two predict the variant weakens a 5' donor site. Four predict the variant creates a 5' donor site. However, these predictions have yet to be confirmed by functional studies. The frequency data for this variant in gnomAD is considered unreliable, as metrics indicate poor data quality at this position. c.283_300+3dup21 has been observed in multiple homozygous or compound heterozygous individual(s) affected with various forms of Alpha Thalassemia, primarily HbH disease (example, Farashi_2015, Zekavat_2016, Waye_2001) . These data indicate that the variant is likely to be associated with disease. To our knowledge, no experimental evidence demonstrating an impact on protein function has been reported, although publication found no abnormal Hb molecule by cellulose acetate electrophoresis (CAE), IEF or HPLC (example, Waye_2001), but lack of shown data prevented any conclusions as to the functional impact of this change. The following publications have been ascertained in the context of this evaluation (PMID: 25976776, 27665672, 11791872). ClinVar contains an entry for this variant (Variation ID: 15879). Based on the evidence outlined above, the variant was classified as likely pathogenic.

Natera, Inc.
Classification: Likely pathogenic for Alpha thalassemia. Last evaluated: 2025-11-22. Review status: criteria provided, single submitter. Criteria: Natera Variant Classification Schema (03/2026). Collection method: clinical testing. Allele origin: germline.
Comment: The c.283_300+3dupGACCCGGTCAACTTCAAGGTG variant in HBA1 is a duplication in the intronic region. This variant is rare in the general population with a frequency below the threshold expected for the associated phenotype(s). This variant has been observed in one or more individuals affected with the associated recessive disease, as either homozygous or compound heterozygous with a second variant (PMID: 25976776, 39252479). This variant has been identified in one or more affected individuals with a phenotype highly consistent with the associated gene (PMID: 25976776). Computational prediction algorithms indicate this variant is likely to affect gene or protein function. Given the available evidence, this variant is classified as Likely Pathogenic.

Institute of Human Genetics, University of Leipzig Medical Center
Classification: Likely pathogenic for Erythrocytosis, familial, 7. Last evaluated: 2025-09-23. Review status: criteria provided, single submitter. Criteria: ACMG Guidelines, 2015. Collection method: clinical testing. Allele origin: unknown. Inheritance: Autosomal dominant inheritance. Affected: yes.
Comment: Criteria applied: PM2,PM4,PS4

PreventionGenetics, part of Exact Sciences
Classification: Likely benign for HBA1-related condition. Last evaluated: 2025-08-21. Review status: criteria provided, single submitter. Criteria: ACMG Guidelines, 2015. Collection method: clinical testing. Allele origin: germline.
Comment: This variant is classified as likely benign based on ACMG/AMP sequence variant interpretation guidelines (Richards et al. 2015 PMID: 25741868, with internal and published modifications).

ARUP Laboratories, Molecular Genetics and Genomics, ARUP Laboratories
Classification: Pathogenic. Last evaluated: 2023-10-04. Review status: criteria provided, single submitter. Criteria: ARUP Molecular Germline Variant Investigation Process 2024. Collection method: clinical testing. Allele origin: germline.
Comment: The Hb SKMC (HBA1: c.283_300+3dup; p.?, rs1902161681, HbVar ID: 2952) variant is reported in the literature in the heterozygous state in individuals with alpha-thalassemia trait, and in the homozygous or compound heterozygous state in individuals with severe anemia and Hb H disease (Farashi 2015, Wajcman 2008, Waye 2001, see link to HbVar). This variant duplicates 21 nucleotides at the end of exon 2, which is predicted to result in a duplication of seven amino acid residues, but computational analyses (Alamut v.2.11) predict that this variant may also impact splicing by shifting the canonical donor splice site. Functional analyses do not detect an abnormal protein, suggesting that the Hb SKMC variant creates an unstable hemoglobin (Waye 2001). This variant is also absent from the Genome Aggregation Database, indicating it is not a common polymorphism. Based on available information, this variant is considered to be pathogenic. References: Link to HbVar database: Farashi S et al. A 21 Nucleotide Duplication on the alpha1- and alpha2-Globin Genes Involves a Variety of Hypochromic Microcytic Anemias, From Mild to Hb H Disease. Hemoglobin. 2015;39(3):196-200. PMID: 25976776. Wajcman H et al. Unstable and thalassemic alpha chain hemoglobin variants: a cause of Hb H disease and thalassemia intermedia. Hemoglobin. 2008;32(4):327-49. PMID: 18654884. Waye JS et al. Identification of two new alpha-thalassemia mutations in exon 2 of the alpha1-globin gene. Hemoglobin. 2001 Nov;25(4):391-6. PMID: 11791872.

OMIM
Classification: Pathogenic for THALASSEMIA, ALPHA-PLUS. Last evaluated: 2001-11-01. Review status: no assertion criteria provided. Collection method: literature only. Allele origin: germline. Not counted in ClinVar's aggregate classification.

Literature cited by the submitters: PubMed 25976776 (cited by Women's Health and Genetics/Laboratory Corporation of America, LabCorp and Natera, Inc.); PubMed 11791872 (cited by Women's Health and Genetics/Laboratory Corporation of America, LabCorp and OMIM); PubMed 27665672 (cited by Women's Health and Genetics/Laboratory Corporation of America, LabCorp); PubMed 39252479 (cited by Natera, Inc.).